The following is an entry in ClinVar:

ClinVar aggregate classification (germline): Uncertain significance. Review status: criteria provided, multiple submitters, no conflicts (2 of 4 stars). 3 submissions from 3 submitters: Uncertain significance (3). Last evaluated 2025-08-01.

Conditions:
Congenital myasthenic syndrome 8. Also called: MYASTHENIC SYNDROME, CONGENITAL, DUE TO AGRIN DEFICIENCY; Myasthenic syndrome, congenital, 8, with pre- and postsynaptic defects. Identifiers: Orphanet 590, MedGen C3808739, MONDO:0014052, OMIM 615120.

Allele frequency attached by ClinVar (database versions not stated): gnomAD 0.00008 and 0.00009; ExAC 0.00004; gnomAD exomes 0.00007 and 0.00005; TOPMed 0.00008.
gnomAD v4.1: 93 of 1,612,240 alleles (0.0058%); highest among the groups gnomAD compares: Non-Finnish European, 0.0073%; no homozygotes.

Submissions (3):

Mayo Clinic Laboratories, Mayo Clinic
Classification: Uncertain significance. Last evaluated: 2025-08-01. Review status: criteria provided, single submitter. Criteria: ACMG Guidelines, 2015. Collection method: clinical testing. Allele origin: germline. Observed: 1 variant allele.
Comment: BP4_moderate

Labcorp Genetics (formerly Invitae), Labcorp
Classification: Uncertain significance for Congenital myasthenic syndrome 8. Last evaluated: 2022-05-12. Review status: criteria provided, single submitter. Criteria: Invitae Variant Classification Sherloc (09022015). Collection method: clinical testing. Allele origin: germline.
Comment: This sequence change replaces leucine, which is neutral and non-polar, with phenylalanine, which is neutral and non-polar, at codon 991 of the AGRN protein (p.Leu991Phe). This variant is present in population databases (rs749588875, gnomAD 0.01%). This missense change has been observed in individual(s) with clinical features of AGRN-related conditions (PMID: 31167812). ClinVar contains an entry for this variant (Variation ID: 648160). Algorithms developed to predict the effect of missense changes on protein structure and function are either unavailable or do not agree on the potential impact of this missense change (SIFT: "Tolerated"; PolyPhen-2: "Possibly Damaging"; Align-GVGD: "Class C0"). In summary, the available evidence is currently insufficient to determine the role of this variant in disease. Therefore, it has been classified as a Variant of Uncertain Significance.

Revvity Omics, Revvity
Classification: Uncertain significance for Congenital myasthenic syndrome 8. Last evaluated: 2021-04-19. Review status: criteria provided, single submitter. Criteria: ACMG Guidelines, 2015. Collection method: clinical testing. Allele origin: germline.

Literature cited by the submitters: PubMed 31167812 (cited by Mayo Clinic Laboratories, Mayo Clinic and Labcorp Genetics (formerly Invitae), Labcorp).

NM_198576.4(AGRN):c.2971C>T (p.Leu991Phe)

Gene: AGRN (agrin; plus strand). Cytogenetic location: 1p36.33.
Variant type: single nucleotide variant.
Coding change: c.2971C>T on transcript NM_198576.4 (MANE Select); coding-DNA position 2971, C replaced by T.
Protein change: p.Leu991Phe; replaces leucine 991 with phenylalanine.
Molecular consequence: missense variant.
Genome position (GRCh38, 1-based): chr1:1,046,456, C>T. VCF-style: chr1-1046456-C-T. GRCh37 (hg19) VCF-style: chr1-981836-C-T.
Other names: p.Leu991Phe; c.2971C>T, p.Leu991Phe (NM_001305275.2); c.2656C>T, p.Leu886Phe (NM_001364727.2); short protein forms L886F, L991F.
Identifiers: ClinVar variation 648160 (VCV000648160.9), dbSNP rs749588875, ClinGen allele CA508897.